The following is an entry in ClinVar:

NM_198334.3(GANAB):c.252+6G>C

Gene: GANAB (glucosidase II alpha subunit; minus strand). Cytogenetic location: 11q12.3.
Variant type: single nucleotide variant.
Coding change: c.252+6G>C on transcript NM_198334.3 (MANE Select); 6 bases into the intron after coding-DNA position 252, G replaced by C.
Molecular consequence: intron variant.
Genome position (GRCh38, 1-based): chr11:62,639,353, C>G on the plus strand (G>C on the coding strand, the complement: GANAB is on the minus strand). VCF-style: chr11-62639353-C-G. GRCh37 (hg19) VCF-style: chr11-62406825-C-G.
Other names: p.?; c.39-4353G>C (NM_001278193.2, NM_001278192.2); c.-40+6G>C (NM_001329223.2, NM_001329222.2); c.-39-243G>C (NM_001278194.2); c.-525+6G>C (NM_001329225.2, NM_001329224.2); c.252+6G>C (NM_198335.4).
Identifiers: ClinVar variation 4683629 (VCV004683629.1).

ClinVar aggregate classification (germline): Likely benign (1 of 4 stars; one submission).

gnomAD v4.1: 2 of 1,582,400 alleles (0.00013%); highest among the groups gnomAD compares: Admixed American, 0.0033%; no homozygotes.

Submission:

Mayo Clinic Laboratories, Mayo Clinic
Classification: Likely benign. Last evaluated: 2025-05-27. Review status: criteria provided, single submitter. Criteria: ACMG Guidelines, 2015. Collection method: clinical testing. Allele origin: germline. Observed: 1 variant allele.
Comment: BP4, BP7, PM2_supporting